The following is an entry in ClinVar:

ClinVar aggregate classification (germline): Pathogenic (1 of 4 stars; one submission).

Allele frequency attached by ClinVar (database versions not stated): TOPMed 0.00001.

Submission:

Labcorp Genetics (formerly Invitae), Labcorp
Classification: Pathogenic. Last evaluated: 2023-09-21. Review status: criteria provided, single submitter. Criteria: Invitae Variant Classification Sherloc (09022015). Collection method: clinical testing. Allele origin: germline.
Comment: This variant, c.616_621del, is a complex sequence change that results in the deletion of 3 and insertion of 1 amino acid(s) in the NPHS1 protein (p.Pro206_Arg207del). This variant is not present in population databases (gnomAD no frequency). This variant has been observed in individuals with nephrotic syndrome (PMID: 9915943, 33980730, 35278126). This variant disrupts a region of the NPHS1 protein in which other variant(s) (p.Pro206Thr) have been determined to be pathogenic (Invitae). This suggests that this is a clinically significant region of the protein, and that variants that disrupt it are likely to be disease-causing. For these reasons, this variant has been classified as Pathogenic.

Literature cited by the submitters: PubMed 9915943; PubMed 33980730; PubMed 35278126.

NM_004646.4(NPHS1):c.616_621del (p.Pro206_Arg207del)

Gene: NPHS1 (NPHS1 adhesion molecule, nephrin; minus strand). Cytogenetic location: 19q13.12.
Variant type: Deletion.
Coding change: c.616_621del on transcript NM_004646.4 (MANE Select); coding-DNA positions 616 to 621, 6 bases deleted (CCCCGG; older notation c.616_621delCCCCGG).
Protein change: p.Pro206_Arg207del.
Molecular consequence: inframe deletion.
Genome position (GRCh38, 1-based): chr19:35,849,641-35,849,646, CCGGGG deleted on the plus strand (CCCCGG on the coding strand, the reverse complement: NPHS1 is on the minus strand). VCF-style (leftmost placement, unchanged base first): chr19-35849640-TCCGGGG-T. GRCh37 (hg19) VCF-style: chr19-36340542-TCCGGGG-T.
Identifiers: ClinVar variation 2917446 (VCV002917446.3), dbSNP rs1267837624, ClinGen allele CA881821039.